The following is an entry in ClinVar:

ClinVar aggregate classification (germline): Benign. Review status: criteria provided, single submitter (1 of 4 stars). 2 submissions from 1 submitter: Benign (2). Last evaluated 2018-01-13.

Conditions:
Tietz syndrome (TADS). Also called: ALBINISM-DEAFNESS OF TIETZ; HYPOPIGMENTATION/DEAFNESS OF TIETZ; TIETZ ALBINISM-DEAFNESS SYNDROME. Identifiers: Orphanet 42665, MedGen C0391816, MONDO:0007077, OMIM 103500.
Waardenburg syndrome type 2A (WS2A). Also called: WAARDENBURG SYNDROME WITHOUT DYSTOPIA CANTHORUM. Identifiers: Orphanet 3440, MedGen C1860339, MONDO:0008671, OMIM 193510.

Allele frequency attached by ClinVar (database versions not stated): 1000 Genomes Project 0.00040; gnomAD exomes 0.00042; TOPMed 0.00045; 1000 Genomes Project 30x 0.00047.
gnomAD v4.1: 109 of 232,428 alleles (0.047%); highest among the groups gnomAD compares: Non-Finnish European, 0.072%; no homozygotes.

Submissions (2):

Illumina Laboratory Services, Illumina
Classification: Benign for Waardenburg syndrome type 2A. Last evaluated: 2018-01-13. Review status: criteria provided, single submitter. Criteria: ICSL Variant Classification Criteria 13 December 2019. Collection method: clinical testing. Allele origin: germline.
Comment: This variant was observed in the ICSL laboratory as part of a predisposition screen in an ostensibly healthy population. It had not been previously curated by ICSL or reported in the Human Gene Mutation Database (HGMD: prior to June 1st, 2018), and was therefore a candidate for classification through an automated scoring system. Utilizing variant allele frequency, disease prevalence and penetrance estimates, and inheritance mode, an automated score was calculated to assess if this variant is too frequent to cause the disease. Based on the score and internal cut-off values, a variant classified as benign is not then subjected to further curation. The score for this variant resulted in a classification of benign for this disease.

Illumina Laboratory Services, Illumina
Classification: Benign for Tietz syndrome. Last evaluated: 2018-01-13. Review status: criteria provided, single submitter. Criteria: ICSL Variant Classification Criteria 13 December 2019. Collection method: clinical testing. Allele origin: germline.
Comment: the same text as in the submission from Illumina Laboratory Services, Illumina above.

NM_001354604.2(MITF):c.*2029A>T

Gene: MITF (melanocyte inducing transcription factor; plus strand). Cytogenetic location: 3p13.
Variant type: single nucleotide variant.
Coding change: c.*2029A>T on transcript NM_001354604.2 (MANE Select); 2029 bases downstream of the stop codon, A replaced by T.
Molecular consequence: 3 prime UTR variant.
Genome position (GRCh38, 1-based): chr3:69,967,277, A>T. VCF-style: chr3-69967277-A-T. GRCh37 (hg19) VCF-style: chr3-70016428-A-T.
Other names: c.*2029A>T (NM_000248.4, NM_001184967.2, NM_001354605.2 and 8 more transcripts).
Identifiers: ClinVar variation 346530 (VCV000346530.5), dbSNP rs571540517, ClinGen allele CA10616586.